The following is an entry in ClinVar:

NM_004006.3(DMD):c.8663C>G (p.Pro2888Arg)

Gene: DMD (dystrophin; minus strand). Cytogenetic location: Xp21.2.
Variant type: single nucleotide variant.
Coding change: c.8663C>G on transcript NM_004006.3 (MANE Select); coding-DNA position 8663, C replaced by G.
Protein change: p.Pro2888Arg; replaces proline 2888 with arginine.
Molecular consequence: missense variant.
Genome position (GRCh38, 1-based): chrX:31,478,988, G>C on the plus strand (C>G on the coding strand, the complement: DMD is on the minus strand). VCF-style: chrX-31478988-G-C. GRCh37 (hg19) VCF-style: chrX-31497105-G-C.
Other names: c.8651C>G, p.Pro2884Arg (NM_004009.3); c.8294C>G, p.Pro2765Arg (NM_004010.3); c.4640C>G, p.Pro1547Arg (NM_004011.4); c.4631C>G, p.Pro1544Arg (NM_004012.4); c.1283C>G, p.Pro428Arg (NM_004013.3, NM_004020.4, NM_004021.3 and 2 more transcripts); c.476C>G, p.Pro159Arg (NM_004014.3); c.8639C>G, p.Pro2880Arg (NM_000109.4); short protein forms P1547R, P159R, P2888R, P1544R, P2880R, P428R, P2765R, P2884R.
Identifiers: ClinVar variation 1911939 (VCV001911939.2), dbSNP rs2525323883, ClinGen allele CA412654434.

ClinVar aggregate classification (germline): Uncertain significance (1 of 4 stars; one submission).

Conditions:
Duchenne muscular dystrophy (DMD). Also called: MUSCULAR DYSTROPHY, PSEUDOHYPERTROPHIC PROGRESSIVE, DUCHENNE TYPE; Duchenne Muscular Dystrophy (DMD). Identifiers: Orphanet 98896, MedGen C0013264, MONDO:0010679, OMIM 310200.

Allele frequency attached by ClinVar (database versions not stated): gnomAD exomes 0.00001.
gnomAD v4.1: 7 of 1,209,826 alleles (0.00058%); highest among the groups gnomAD compares: Non-Finnish European, 0.00078%; no homozygotes.

Submission:

Labcorp Genetics (formerly Invitae), Labcorp
Classification: Uncertain significance for Duchenne muscular dystrophy. Last evaluated: 2022-02-11. Review status: criteria provided, single submitter. Criteria: Invitae Variant Classification Sherloc (09022015). Collection method: clinical testing. Allele origin: germline.
Comment: This sequence change replaces proline, which is neutral and non-polar, with arginine, which is basic and polar, at codon 2888 of the DMD protein (p.Pro2888Arg). This variant is not present in population databases (gnomAD no frequency). This variant has not been reported in the literature in individuals affected with DMD-related conditions. Algorithms developed to predict the effect of missense changes on protein structure and function are either unavailable or do not agree on the potential impact of this missense change (SIFT: "Deleterious"; PolyPhen-2: "Possibly Damaging"; Align-GVGD: "Class C15"). In summary, the available evidence is currently insufficient to determine the role of this variant in disease. Therefore, it has been classified as a Variant of Uncertain Significance.